The following is an entry in ClinVar:

ClinVar aggregate classification (germline): Uncertain significance (1 of 4 stars; one submission).

Conditions:
Long QT syndrome (LQTS). Identifiers: MedGen C0023976, MeSH D008133, MONDO:0002442. Disease mechanism: loss of function. Inheritance: Various modes of inheritance.

Submission:

Labcorp Genetics (formerly Invitae), Labcorp
Classification: Uncertain significance for Long QT syndrome. Last evaluated: 2025-10-01. Review status: criteria provided, single submitter. Criteria: Invitae Variant Classification Sherloc (09022015). Collection method: clinical testing. Allele origin: germline.
Comment: This sequence change replaces arginine, which is basic and polar, with leucine, which is neutral and non-polar, at codon 100 of the KCNH2 protein (p.Arg100Leu). This variant is not present in population databases (gnomAD no frequency). This variant has not been reported in the literature in individuals affected with KCNH2-related conditions. ClinVar contains an entry for this variant (Variation ID: 657216). An algorithm developed to predict the effect of missense changes on protein structure and function (PolyPhen-2) suggests that this variant is likely to be disruptive. In summary, the available evidence is currently insufficient to determine the role of this variant in disease. Therefore, it has been classified as a Variant of Uncertain Significance.

NM_000238.4(KCNH2):c.299G>T (p.Arg100Leu)

Gene: KCNH2 (potassium voltage-gated channel subfamily H member 2; minus strand). Cytogenetic location: 7q36.1.
Variant type: single nucleotide variant.
Coding change: c.299G>T on transcript NM_000238.4 (MANE Select); coding-DNA position 299, G replaced by T.
Protein change: p.Arg100Leu; replaces arginine 100 with leucine.
Molecular consequence: missense variant.
Genome position (GRCh38, 1-based): chr7:150,974,719, C>A on the plus strand (G>T on the coding strand, the complement: KCNH2 is on the minus strand). VCF-style: chr7-150974719-C-A. GRCh37 (hg19) VCF-style: chr7-150671807-C-A.
Other names: c.122G>T, p.Arg41Leu (NM_001406755.1); c.299G>T, p.Arg100Leu (NM_172056.3); short protein forms R100L, R41L.
Identifiers: ClinVar variation 657216 (VCV000657216.9), dbSNP rs199472855, ClinGen allele CA369865291.
Genomic context (GRCh38, chr7:150,974,719, plus strand): 5'-CGCCCCTCTTGACCCCGCCCCTGGTCGTGGCCCCGCCCCGGCCCGCTCCTACCATCTTTC[C>A]GGTAGAAGGCGATTTCCACTTTGCGCTCCTCGGCGCCCAGCAGTGCCTGCGCGATCTGCG-3'
Protein context (NP_000229.1, residues 90-110): EERKVEIAFY[Arg100Leu]KDGSCFLCLV